The following is an entry in ClinVar:

ClinVar aggregate classification (germline): Uncertain significance. Review status: criteria provided, multiple submitters, no conflicts (2 of 4 stars). 2 submissions from 2 submitters: Uncertain significance (2). Last evaluated 2025-08-15.

Conditions:
Inborn genetic diseases. Identifiers: MedGen C0950123, MeSH D030342.
MEGF10-related myopathy (CMYO10A). Also called: Congenital myopathy 10A, severe variant. Identifiers: Orphanet 439212, MedGen C3280679, MONDO:0013731, OMIM 614399.

Allele frequency attached by ClinVar (database versions not stated): gnomAD exomes below 0.00001; ExAC 0.00001; gnomAD 0.00001.
gnomAD v4.1: 6 of 1,613,676 alleles (0.00037%); highest among the groups gnomAD compares: Admixed American, 0.0033%; no homozygotes.

Submissions (2):

Ambry Genetics
Classification: Uncertain significance for Inborn genetic diseases. Last evaluated: 2025-08-15. Review status: criteria provided, single submitter. Criteria: Ambry Variant Classification Scheme 2023. Collection method: clinical testing. Allele origin: germline.

Labcorp Genetics (formerly Invitae), Labcorp
Classification: Uncertain significance for MEGF10-related myopathy. Last evaluated: 2023-12-11. Review status: criteria provided, single submitter. Criteria: Invitae Variant Classification Sherloc (09022015). Collection method: clinical testing. Allele origin: germline.
Comment: This sequence change replaces glycine, which is neutral and non-polar, with arginine, which is basic and polar, at codon 598 of the MEGF10 protein (p.Gly598Arg). This variant is present in population databases (rs765562395, gnomAD 0.003%). This variant has not been reported in the literature in individuals affected with MEGF10-related conditions. ClinVar contains an entry for this variant (Variation ID: 2082311). Advanced modeling of protein sequence and biophysical properties (such as structural, functional, and spatial information, amino acid conservation, physicochemical variation, residue mobility, and thermodynamic stability) performed at Invitae indicates that this missense variant is expected to disrupt MEGF10 protein function with a positive predictive value of 80%. In summary, the available evidence is currently insufficient to determine the role of this variant in disease. Therefore, it has been classified as a Variant of Uncertain Significance.

NM_001256545.2(MEGF10):c.1792G>C (p.Gly598Arg)

Gene: MEGF10 (multiple EGF like domains 10; plus strand). Cytogenetic location: 5q23.2.
Variant type: single nucleotide variant.
Coding change: c.1792G>C on transcript NM_001256545.2 (MANE Select); coding-DNA position 1792, G replaced by C.
Protein change: p.Gly598Arg; replaces glycine 598 with arginine.
Molecular consequence: missense variant.
Genome position (GRCh38, 1-based): chr5:127,433,461, G>C. VCF-style: chr5-127433461-G-C. GRCh37 (hg19) VCF-style: chr5-126769153-G-C.
Other names: c.1792G>C (NM_032446.2); c.1792G>C, p.Gly598Arg (NM_032446.3); short protein forms G598R.
Identifiers: ClinVar variation 2082311 (VCV002082311.5), dbSNP rs765562395, ClinGen allele CA3391723.
Genomic context (GRCh38, chr5:127,433,461, plus strand): 5'-GGCCCCAACTGCTCCCTGCCCTGCTACTGTAAAAATGGGGCTTCATGCTCCCCTGATGAT[G>C]GCATCTGCGAGTGTGCACCAGGCTTCCGAGGCACCACTTGTCAGAGGAGTAAGTGTCTCA-3'
Protein context (NP_001243474.1, residues 588-608): KNGASCSPDD[Gly598Arg]ICECAPGFRG